The following is an entry in ClinVar:

NM_199420.4(POLQ):c.2384A>T (p.Asp795Val)

Gene: POLQ (DNA polymerase theta; minus strand). Cytogenetic location: 3q13.33.
Variant type: single nucleotide variant.
Coding change: c.2384A>T on transcript NM_199420.4 (MANE Select); coding-DNA position 2384, A replaced by T.
Protein change: p.Asp795Val; replaces aspartic acid 795 with valine.
Molecular consequence: missense variant.
Genome position (GRCh38, 1-based): chr3:121,493,616, T>A on the plus strand (A>T on the coding strand, the complement: POLQ is on the minus strand). VCF-style: chr3-121493616-T-A. GRCh37 (hg19) VCF-style: chr3-121212463-T-A.
Other names: short protein forms D795V.
Identifiers: ClinVar variation 3229879 (VCV003229879.1), dbSNP rs1355129356, ClinGen allele CA354107980.

ClinVar aggregate classification (germline): Uncertain significance (1 of 4 stars; one submission).

gnomAD v4.1: 3 of 1,614,110 alleles (0.00019%); highest among the groups gnomAD compares: Non-Finnish European, 0.00025%; no homozygotes.

Submission:

Ambry Genetics
Classification: Uncertain significance. Last evaluated: 2023-09-15. Review status: criteria provided, single submitter. Criteria: Ambry Variant Classification Scheme 2023. Collection method: clinical testing. Allele origin: germline.
Comment: The p.D795V variant (also known as c.2384A>T), located in coding exon 15 of the POLQ gene, results from an A to T substitution at nucleotide position 2384. The aspartic acid at codon 795 is replaced by valine, an amino acid with highly dissimilar properties. This amino acid position is conserved. In addition, this alteration is predicted to be deleterious by in silico analysis. Since supporting evidence is limited at this time, the clinical significance of this alteration remains unclear.